The following is an entry in ClinVar:

ClinVar aggregate classification (germline): Uncertain significance (1 of 4 stars; one submission).

Conditions:
Inborn genetic diseases. Identifiers: MedGen C0950123, MeSH D030342.

Submission:

Ambry Genetics
Classification: Uncertain significance for Inborn genetic diseases. Last evaluated: 2026-08-31. Review status: criteria provided, single submitter. Criteria: Ambry Variant Classification Scheme 2023. Collection method: clinical testing. Allele origin: germline.
Comment: The p.A398V variant (also known as c.1193C>T), located in coding exon 7 of the ERCC6L2 gene, results from a C to T substitution at nucleotide position 1193. The alanine at codon 398 is replaced by valine, an amino acid with similar properties. This amino acid position is conserved. In addition, the in silico prediction for this alteration is inconclusive. Based on the available evidence, the clinical significance of this variant remains unclear.

NM_020207.7(ERCC6L2):c.1193C>T (p.Ala398Val)

Gene: ERCC6L2 (ERCC excision repair 6 like 2; plus strand). Cytogenetic location: 9q22.32.
Variant type: single nucleotide variant.
Coding change: c.1193C>T on transcript NM_020207.7 (MANE Select); coding-DNA position 1193, C replaced by T.
Protein change: p.Ala398Val; replaces alanine 398 with valine.
Molecular consequence: missense variant. On other transcripts: non-coding transcript variant (1).
Genome position (GRCh38, 1-based): chr9:95,921,209, C>T. VCF-style: chr9-95921209-C-T. GRCh37 (hg19) VCF-style: chr9-98683491-C-T.
Other names: c.1193C>T, p.Ala398Val (NM_001010895.4, NM_001375291.1, NM_001375292.1 and 2 more transcripts); short protein forms A398V.
Identifiers: ClinVar variation 5036111 (VCV005036111.1).